The following is an entry in ClinVar:

NM_001556.3(IKBKB):c.1673del (p.Gly558fs)

Gene: IKBKB (inhibitor of nuclear factor kappa B kinase subunit beta; plus strand). Cytogenetic location: 8p11.21.
Variant type: Deletion.
Coding change: c.1673del on transcript NM_001556.3 (MANE Select); coding-DNA position 1673, one base deleted (G; older notation c.1673delG).
Protein change: p.Gly558fs; shifts the reading frame from glycine 558.
Molecular consequence: frameshift variant. On other transcripts: non-coding transcript variant (3).
Genome position (GRCh38, 1-based): chr8:42,320,829, G deleted; the last of 6 consecutive G bases (chr8:42,320,824-42,320,829); deleting any one gives the same sequence. VCF-style (leftmost placement, unchanged base first): chr8-42320823-AG-A. GRCh37 (hg19) VCF-style: chr8-42178341-AG-A.
Other names: c.1481del, p.Gly494fs (NM_001190720.3); c.1496del, p.Gly499fs (NM_001242778.2); short protein forms G558fs, G494fs, G499fs.
Identifiers: ClinVar variation 1878265 (VCV001878265.1), dbSNP rs1563361838, ClinGen allele CA581596909.

ClinVar aggregate classification (germline): Likely pathogenic (1 of 4 stars; one submission).

Conditions:
Severe combined immunodeficiency disease. Also called: Severe combined immunodeficiency; Severe Combined Immune Deficiency. Identifiers: Orphanet 183660, MedGen C0085110, MeSH D016511, MONDO:0015974, HP:0004430. Inheritance: X-Linked or Autosomal recessive.

Submission:

Women's Health and Genetics/Laboratory Corporation of America, LabCorp
Classification: Likely pathogenic for Severe combined immunodeficiency disease. Last evaluated: 2022-12-09. Review status: criteria provided, single submitter. Criteria: LabCorp Variant Classification Summary - May 2015. Collection method: clinical testing. Allele origin: germline.
Comment: Variant summary: IKBKB c.1673delG (p.Gly558GlufsX6) results in a premature termination codon, predicted to cause a truncation of the encoded protein or absence of the protein due to nonsense mediated decay, which are commonly known mechanisms for disease. Truncations downstream of this position have been classified as pathogenic by our laboratory and ClinVar database. The variant was absent in 234644 control chromosomes (gnomAD). To our knowledge, no occurrence of c.1673delG in individuals affected with Severe Combined Immunodeficiency and no experimental evidence demonstrating its impact on protein function have been reported. No clinical diagnostic laboratories have submitted clinical-significance assessments for this variant to ClinVar after 2014. Based on the evidence outlined above, the variant was classified as likely pathogenic.